The following is an entry in ClinVar:

NM_022367.4(SEMA4A):c.779T>G (p.Leu260Arg)

Gene: SEMA4A (semaphorin 4A; plus strand). Cytogenetic location: 1q22.
Variant type: single nucleotide variant.
Coding change: c.779T>G on transcript NM_022367.4 (MANE Select); coding-DNA position 779, T replaced by G.
Protein change: p.Leu260Arg; replaces leucine 260 with arginine.
Molecular consequence: missense variant.
Genome position (GRCh38, 1-based): chr1:156,160,998, T>G. VCF-style: chr1-156160998-T-G. GRCh37 (hg19) VCF-style: chr1-156130789-T-G.
Other names: c.779T>G, p.Leu260Arg (NM_001193300.2, NM_001193301.2, NM_001370567.1); c.383T>G, p.Leu128Arg (NM_001193302.2); c.482T>G, p.Leu161Arg (NM_001370568.1); c.272T>G, p.Leu91Arg (NM_001370569.1, NM_001370571.1); c.779T>G (NM_022367.3); short protein forms L260R, L128R, L161R, L91R.
Identifiers: ClinVar variation 1411077 (VCV001411077.9), dbSNP rs766225525, ClinGen allele CA31032526.

ClinVar aggregate classification (germline): Uncertain significance. Review status: criteria provided, multiple submitters, no conflicts (2 of 4 stars). 2 submissions from 2 submitters: Uncertain significance (2). Last evaluated 2025-12-10.

Allele frequency attached by ClinVar (database versions not stated): gnomAD exomes 0.00001.
gnomAD v4.1: 11 of 1,581,432 alleles (0.0007%); highest among the groups gnomAD compares: Non-Finnish European, 0.00095%; no homozygotes.

Submissions (2):

Ambry Genetics
Classification: Uncertain significance. Last evaluated: 2025-12-10. Review status: criteria provided, single submitter. Criteria: Ambry Variant Classification Scheme 2023. Collection method: clinical testing. Allele origin: germline.

Labcorp Genetics (formerly Invitae), Labcorp
Classification: Uncertain significance. Last evaluated: 2021-03-03. Review status: criteria provided, single submitter. Criteria: Invitae Variant Classification Sherloc (09022015). Collection method: clinical testing. Allele origin: germline.
Comment: This sequence change replaces leucine with arginine at codon 260 of the SEMA4A protein (p.Leu260Arg). The leucine residue is moderately conserved and there is a moderate physicochemical difference between leucine and arginine. This variant is not present in population databases (ExAC no frequency). This variant has not been reported in the literature in individuals with SEMA4A-related conditions. Algorithms developed to predict the effect of missense changes on protein structure and function are either unavailable or do not agree on the potential impact of this missense change (SIFT: "Deleterious"; PolyPhen-2: "Probably Damaging"; Align-GVGD: "Class C0"). In summary, the available evidence is currently insufficient to determine the role of this variant in disease. Therefore, it has been classified as a Variant of Uncertain Significance.